The following is an entry in ClinVar:

ClinVar aggregate classification (germline): Uncertain significance. Review status: criteria provided, multiple submitters, no conflicts (2 of 4 stars). 2 submissions from 2 submitters: Uncertain significance (2). Last evaluated 2023-03-24.

Submissions (2):

Labcorp Genetics (formerly Invitae), Labcorp
Classification: Uncertain significance. Last evaluated: 2023-03-24. Review status: criteria provided, single submitter. Criteria: Invitae Variant Classification Sherloc (09022015). Collection method: clinical testing. Allele origin: germline.
Comment: This sequence change replaces isoleucine, which is neutral and non-polar, with valine, which is neutral and non-polar, at codon 595 of the SAMD9 protein (p.Ile595Val). This variant is not present in population databases (gnomAD no frequency). This variant has not been reported in the literature in individuals affected with SAMD9-related conditions. ClinVar contains an entry for this variant (Variation ID: 2163381). Advanced modeling of protein sequence and biophysical properties (such as structural, functional, and spatial information, amino acid conservation, physicochemical variation, residue mobility, and thermodynamic stability) performed at Invitae indicates that this missense variant is not expected to disrupt SAMD9 protein function. In summary, the available evidence is currently insufficient to determine the role of this variant in disease. Therefore, it has been classified as a Variant of Uncertain Significance.

GeneDx
Classification: Uncertain significance. Last evaluated: 2023-03-21. Review status: criteria provided, single submitter. Criteria: GeneDx Variant Classification Process June 2021. Collection method: clinical testing. Allele origin: germline. Affected: yes.
Comment: Not observed at significant frequency in large population cohorts (gnomAD); In silico analysis supports that this missense variant does not alter protein structure/function; Has not been previously published as pathogenic or benign to our knowledge; This variant is associated with the following publications: (PMID: 28545555)

NM_017654.4(SAMD9):c.1783A>G (p.Ile595Val)

Gene: SAMD9 (sterile alpha motif domain containing 9; minus strand). Cytogenetic location: 7q21.2.
Variant type: single nucleotide variant.
Coding change: c.1783A>G on transcript NM_017654.4 (MANE Select); coding-DNA position 1783, A replaced by G.
Protein change: p.Ile595Val; replaces isoleucine 595 with valine.
Molecular consequence: missense variant.
Genome position (GRCh38, 1-based): chr7:93,104,315, T>C on the plus strand (A>G on the coding strand, the complement: SAMD9 is on the minus strand). VCF-style: chr7-93104315-T-C. GRCh37 (hg19) VCF-style: chr7-92733628-T-C.
Other names: c.1783A>G, p.Ile595Val (NM_001193307.2); c.1783A>G (NM_017654.3); short protein forms I595V.
Identifiers: ClinVar variation 2163381 (VCV002163381.5), dbSNP rs1791591426, ClinGen allele CA368194706.